The following is an entry in ClinVar:

NM_032776.3(JMJD1C):c.3506A>G (p.His1169Arg)

Gene: JMJD1C (jumonji domain containing 1C; minus strand). Cytogenetic location: 10q21.3.
Variant type: single nucleotide variant.
Coding change: c.3506A>G on transcript NM_032776.3 (MANE Select); coding-DNA position 3506, A replaced by G.
Protein change: p.His1169Arg; replaces histidine 1169 with arginine.
Molecular consequence: missense variant. On other transcripts: non-coding transcript variant (1).
Genome position (GRCh38, 1-based): chr10:63,208,163, T>C on the plus strand (A>G on the coding strand, the complement: JMJD1C is on the minus strand). VCF-style: chr10-63208163-T-C. GRCh37 (hg19) VCF-style: chr10-64967923-T-C.
Other names: c.2960A>G, p.His987Arg (NM_001282948.2, NM_001318154.2); c.2642A>G, p.His881Arg (NM_001318153.2); c.3392A>G, p.His1131Arg (NM_001322252.2); c.2849A>G, p.His950Arg (NM_001322254.2, NM_001322258.2); short protein forms H950R, H1169R, H1131R, H881R, H987R.
Identifiers: ClinVar variation 1037030 (VCV001037030.8), dbSNP rs759583553, ClinGen allele CA5518420.
Genomic context (GRCh38, chr10:63,208,163, plus strand): 5'-AAATGGGTAGGACTCCTACAATCATTTCTGAAGGTTGTTACTGAGTGAGATGCAATCTGA[T>C]GTGGAAGATGTTCTGGTATCTTGCCTACTAAACCTTCACTTTCTGGTTGGTGTTTAATCA-3'
Protein context (NP_116165.1, residues 1159-1179): LVGKIPEHLP[His1169Arg]QIASHSVTTF

ClinVar aggregate classification (germline): Uncertain significance (1 of 4 stars; one submission).

Conditions:
Early Myoclonic Encephalopathy. Identifiers: MedGen C0270855.

Allele frequency attached by ClinVar (database versions not stated): TOPMed below 0.00001; ExAC 0.00001; gnomAD exomes 0.00001.
gnomAD v4.1: 3 of 1,614,162 alleles (0.00019%); highest among the groups gnomAD compares: Admixed American, 0.005%; no homozygotes.

Submission:

Labcorp Genetics (formerly Invitae), Labcorp
Classification: Uncertain significance for Early Myoclonic Encephalopathy. Last evaluated: 2024-11-19. Review status: criteria provided, single submitter. Criteria: Invitae Variant Classification Sherloc (09022015). Collection method: clinical testing. Allele origin: germline.
Comment: This sequence change replaces histidine, which is basic and polar, with arginine, which is basic and polar, at codon 1169 of the JMJD1C protein (p.His1169Arg). This variant is present in population databases (rs759583553, gnomAD 0.006%). This variant has not been reported in the literature in individuals affected with JMJD1C-related conditions. ClinVar contains an entry for this variant (Variation ID: 1037030). Invitae Evidence Modeling of protein sequence and biophysical properties (such as structural, functional, and spatial information, amino acid conservation, physicochemical variation, residue mobility, and thermodynamic stability) indicates that this missense variant is not expected to disrupt JMJD1C protein function with a negative predictive value of 80%. In summary, the available evidence is currently insufficient to determine the role of this variant in disease. Therefore, it has been classified as a Variant of Uncertain Significance.